The following is an entry in ClinVar:

NM_001267550.2(TTN):c.23675T>C (p.Ile7892Thr)

Gene: TTN (titin; minus strand). Cytogenetic location: 2q31.2.
Variant type: single nucleotide variant.
Coding change: c.23675T>C on transcript NM_001267550.2 (MANE Select); coding-DNA position 23675, T replaced by C.
Protein change: p.Ile7892Thr; replaces isoleucine 7892 with threonine.
Molecular consequence: missense variant. On other transcripts: intron variant (3).
Genome position (GRCh38, 1-based): chr2:178,719,817, A>G on the plus strand (T>C on the coding strand, the complement: TTN is on the minus strand). VCF-style: chr2-178719817-A-G. GRCh37 (hg19) VCF-style: chr2-179584544-A-G.
Other names: p.Ile6648Thr; c.22724T>C, p.Ile7575Thr (NM_001256850.1); c.19943T>C, p.Ile6648Thr (NM_133378.4); c.13282+18265T>C (NM_003319.4); c.13858+18265T>C (NM_133437.4); c.13657+18265T>C (NM_133432.3); short protein forms I6648T, I7892T, I7575T.
Identifiers: ClinVar variation 263720 (VCV000263720.11), dbSNP rs201181445, ClinGen allele CA2000581.

ClinVar aggregate classification (germline): Uncertain significance. Review status: criteria provided, multiple submitters, no conflicts (2 of 4 stars). 9 submissions from 5 submitters: Uncertain significance (9). Last evaluated 2023-09-19.

Conditions:
Cardiovascular phenotype. Identifiers: MedGen CN230736.
Dilated cardiomyopathy 1G (CMD1G). Identifiers: Orphanet 154, MedGen C1858763, MONDO:0011400, OMIM 604145.
Tibial muscular dystrophy (TMD). Also called: UDD MYOPATHY; Udd Distal Myopathy – Tibial Muscular Dystrophy; Tibial muscular dystrophy, tardive. Identifiers: Orphanet 609, MedGen C1838244, MONDO:0010870, OMIM 600334.
Early-onset myopathy with fatal cardiomyopathy (CMYO5). Also called: Salih Myopathy; CONGENITAL MYOPATHY 5 WITH CARDIOMYOPATHY. Identifiers: Orphanet 289377, MedGen C2673677, MONDO:0012714, OMIM 611705. Disease mechanism: loss of function.
Autosomal recessive limb-girdle muscular dystrophy type 2J (LGMDR10). Also called: Limb-girdle muscular dystrophy, type 2J; MUSCULAR DYSTROPHY, LIMB-GIRDLE, AUTOSOMAL RECESSIVE 10. Identifiers: Orphanet 140922, MedGen C1837342, MONDO:0012127, OMIM 608807.
Hypertrophic cardiomyopathy 9. Also called: Familial hypertrophic cardiomyopathy 9. Identifiers: MedGen C1861065, MONDO:0013412, OMIM 613765.
Myopathy, myofibrillar, 9, with early respiratory failure (MFM9). Also called: Hereditary myopathy with early respiratory failure; EDSTROM MYOPATHY; MYOPATHY, PROXIMAL, WITH EARLY RESPIRATORY MUSCLE INVOLVEMENT; Myopathy, distal, with early respiratory failure, autosomal dominant. Identifiers: Orphanet 178464, Orphanet 34521, MedGen C1863599, MONDO:0011362, OMIM 603689.

Allele frequency attached by ClinVar (database versions not stated): TOPMed 0.00002; ESP Exome Variant Server 0.00008; gnomAD 0.00013; 1000 Genomes Project 0.00020; 1000 Genomes Project 30x 0.00031.
gnomAD v4.1: 120 of 1,608,584 alleles (0.0075%); highest among the groups gnomAD compares: African/African-American, 0.008%; 1 homozygote.

Submissions (9):

Mayo Clinic Laboratories, Mayo Clinic
Classification: Uncertain significance. Last evaluated: 2023-09-19. Review status: criteria provided, single submitter. Criteria: ACMG Guidelines, 2015. Collection method: clinical testing. Allele origin: germline. Observed: 1 variant allele.
Comment: BP4

Fulgent Genetics
Classification: Uncertain significance for Tibial muscular dystrophy; Myopathy, myofibrillar, 9, with early respiratory failure; Dilated cardiomyopathy 1G; Autosomal recessive limb-girdle muscular dystrophy type 2J; Early-onset myopathy with fatal cardiomyopathy; Hypertrophic cardiomyopathy 9. Last evaluated: 2021-10-07. Review status: criteria provided, single submitter. Criteria: ACMG Guidelines, 2015. Collection method: clinical testing. Allele origin: unknown.

Revvity Omics, Revvity
Classification: Uncertain significance. Last evaluated: 2021-05-20. Review status: criteria provided, single submitter. Criteria: ACMG Guidelines, 2015. Collection method: clinical testing. Allele origin: germline.

Illumina Laboratory Services, Illumina
Classification: Uncertain significance for Dilated cardiomyopathy 1G. Last evaluated: 2018-01-13. Review status: criteria provided, single submitter. Criteria: ICSL Variant Classification Criteria 13 December 2019. Collection method: clinical testing. Allele origin: germline.

Illumina Laboratory Services, Illumina
Classification: Uncertain significance for Myopathy, myofibrillar, 9, with early respiratory failure. Last evaluated: 2018-01-13. Review status: criteria provided, single submitter. Criteria: ICSL Variant Classification Criteria 13 December 2019. Collection method: clinical testing. Allele origin: germline.

Illumina Laboratory Services, Illumina
Classification: Uncertain significance for Early-onset myopathy with fatal cardiomyopathy. Last evaluated: 2018-01-13. Review status: criteria provided, single submitter. Criteria: ICSL Variant Classification Criteria 13 December 2019. Collection method: clinical testing. Allele origin: germline.

Illumina Laboratory Services, Illumina
Classification: Uncertain significance for Tibial muscular dystrophy. Last evaluated: 2018-01-13. Review status: criteria provided, single submitter. Criteria: ICSL Variant Classification Criteria 13 December 2019. Collection method: clinical testing. Allele origin: germline.

Illumina Laboratory Services, Illumina
Classification: Uncertain significance for Autosomal recessive limb-girdle muscular dystrophy type 2J. Last evaluated: 2018-01-13. Review status: criteria provided, single submitter. Criteria: ICSL Variant Classification Criteria 13 December 2019. Collection method: clinical testing. Allele origin: germline.

Ambry Genetics
Classification: Uncertain significance for Cardiovascular phenotype. Last evaluated: 2013-09-17. Review status: criteria provided, single submitter. Criteria: Ambry Autosomal Dominant and X-Linked criteria (10/2015). Collection method: clinical testing. Allele origin: germline. Observed: 1 variant allele.
Comment: The p.I6648T variant (also known as c.19943T>C) is located in coding exon 78 of the TTNgene. This alteration results from a T to C substitution at nucleotide position 19943. The isoleucine at codon 6648 is replaced by threonine, an amino acid with some similar properties. Based on data from the NHLBI Exome Sequencing Project (ESP), the C-allele has an overall frequency of approximately0.01% (1/11896), having been observed in0.01% (1/8190)of European American alleles, and not observed in 3706 African American alleles studied.This variant was not reported in population-based cohorts in the Database of Single Nucleotide Polymorphisms (dbSNP) or the 1000 Genomes Project. Based on protein sequence alignment, this amino acid position is not well conserved, with threonine as the reference amino acid in four species.In addition, this alteration is predicted to be benign by PolyPhen in silico analysis. Since supporting evidence is limited at this time, the clinical significance of this variant remains unclear.